The following is an entry in ClinVar:

NM_005605.5(PPP3CC):c.1174A>T (p.Asn392Tyr)

Gene: PPP3CC (protein phosphatase 3 catalytic subunit gamma; plus strand). Cytogenetic location: 8p21.3.
Variant type: single nucleotide variant.
Coding change: c.1174A>T on transcript NM_005605.5 (MANE Select); coding-DNA position 1174, A replaced by T.
Protein change: p.Asn392Tyr; replaces asparagine 392 with tyrosine.
Molecular consequence: missense variant.
Genome position (GRCh38, 1-based): chr8:22,532,257, A>T. VCF-style: chr8-22532257-A-T. GRCh37 (hg19) VCF-style: chr8-22389770-A-T.
Other names: c.1201A>T, p.Asn401Tyr (NM_001243974.2); c.1174A>T, p.Asn392Tyr (NM_001243975.2); short protein forms N392Y, N401Y.
Identifiers: ClinVar variation 4862469 (VCV004862469.1).
Genomic context (GRCh38, chr8:22,532,257, plus strand): 5'-AACTTACTTATTCTTTGTATTCTCTAAGGAAGCACTACAGTTCGTAAGGAGATCATCAGG[A>T]ATAAGATCAGAGCCATTGGGAAGATGGCACGGGTCTTTTCAATTCTTCGGTAAGGATGTC-3'
Protein context (NP_005596.2, residues 382-402): STTVRKEIIR[Asn392Tyr]KIRAIGKMAR

ClinVar aggregate classification (germline): Uncertain significance (1 of 4 stars; one submission).

gnomAD v4.1: 5 of 1,613,142 alleles (0.00031%); highest among the groups gnomAD compares: Admixed American, 0.0067%; no homozygotes.

Submission:

Ambry Genetics
Classification: Uncertain significance. Last evaluated: 2026-04-28. Review status: criteria provided, single submitter. Criteria: Ambry Variant Classification Scheme 2023. Collection method: clinical testing. Allele origin: germline.
Comment: The c.1174A>T (p.N392Y) alteration is located in exon 11 (coding exon 11) of the PPP3CC gene. This alteration results from a A to T substitution at nucleotide position 1174, causing the asparagine (N) at amino acid position 392 to be replaced by a tyrosine (Y). Based on data from gnomAD, the T allele has an overall frequency of 0.001% (3/251300) total alleles studied. The highest observed frequency was 0.009% (3/34562) of Latino alleles. Based on insufficient or conflicting evidence, the clinical significance of this alteration remains unclear.